The following is an entry in ClinVar:

NM_024408.4(NOTCH2):c.2407C>T (p.Pro803Ser)

Gene: NOTCH2 (notch receptor 2; minus strand). Cytogenetic location: 1p12.
Variant type: single nucleotide variant.
Coding change: c.2407C>T on transcript NM_024408.4 (MANE Select); coding-DNA position 2407, C replaced by T.
Protein change: p.Pro803Ser; replaces proline 803 with serine.
Molecular consequence: missense variant.
Genome position (GRCh38, 1-based): chr1:119,950,796, G>A on the plus strand (C>T on the coding strand, the complement: NOTCH2 is on the minus strand). VCF-style: chr1-119950796-G-A. GRCh37 (hg19) VCF-style: chr1-120493419-G-A.
Other names: c.2407C>T, p.Pro803Ser (NM_001200001.2); short protein forms P803S.
Identifiers: ClinVar variation 4994835 (VCV004994835.1).
Genomic context (GRCh38, chr1:119,950,796, plus strand): 5'-GCACACAGTGGCAAGTGTAGCCACTTATGTCATCAAAGCAGGTTCCTTGGTTCAGGCATG[G>A]ATTTGAGGCACATTCATCAATATTCACCTGGCAGTTATAGCCTGTAGACAAAAGGAAAAA-3'
Protein context (NP_077719.2, residues 793-813): QVNIDECASN[Pro803Ser]CLNQGTCFDD

ClinVar aggregate classification (germline): Uncertain significance (1 of 4 stars; one submission).

Conditions:
NOTCH2-related disorder. Also called: NOTCH2-related condition.

Submission:

PreventionGenetics, part of Exact Sciences
Classification: Uncertain significance for NOTCH2-related condition. Last evaluated: 2026-09-26. Review status: criteria provided, single submitter. Criteria: ACMG Guidelines, 2015. Collection method: clinical testing. Allele origin: germline.
Comment: The NOTCH2 c.2407C>T variant is predicted to result in the amino acid substitution p.Pro803Ser. To our knowledge, this variant has not been reported in the literature or in a large population database (gnomAD), indicating this variant is rare. At this time, the clinical significance of this variant is uncertain due to the absence of conclusive functional and genetic evidence.